The following is an entry in ClinVar:

ClinVar aggregate classification (germline): Conflicting classifications of pathogenicity. Review status: criteria provided, conflicting classifications (1 of 4 stars). 7 submissions from 7 submitters: Uncertain significance (3); Benign (2); Likely benign (1). 1 of the submissions does not count toward it. Last evaluated 2026-01-11.

Conditions:
COL6A2-related disorder.
Inborn genetic diseases. Identifiers: MedGen C0950123, MeSH D030342.
Collagen 6-related myopathy. Identifiers: MedGen CN117976, MONDO:0100225.
Bethlem myopathy 1A. Also called: Bethlem myopathy 1; MYOPATHY, BENIGN CONGENITAL, WITH CONTRACTURES; Bethlem Muscular Dystrophy. Identifiers: Orphanet 610, MedGen CN029274, MONDO:0024530, OMIM 158810.

Allele frequency attached by ClinVar (database versions not stated): gnomAD 0.00011 and 0.00012; TOPMed 0.00018; ESP Exome Variant Server 0.00023.

Submissions (7):

Labcorp Genetics (formerly Invitae), Labcorp
Classification: Benign for Bethlem myopathy 1A. Last evaluated: 2026-01-11. Review status: criteria provided, single submitter. Criteria: Invitae Variant Classification Sherloc (09022015). Collection method: clinical testing. Allele origin: germline.

Revvity Omics, Revvity
Classification: Uncertain significance. Last evaluated: 2025-02-05. Review status: criteria provided, single submitter. Criteria: ACMG Guidelines, 2015. Collection method: clinical testing. Allele origin: germline.

Ambry Genetics
Classification: Uncertain significance for Inborn genetic diseases. Last evaluated: 2023-04-07. Review status: criteria provided, single submitter. Criteria: Ambry Variant Classification Scheme 2023. Collection method: clinical testing. Allele origin: germline.

Illumina Laboratory Services, Illumina
Classification: Benign for Collagen VI-related myopathy. Last evaluated: 2018-01-13. Review status: criteria provided, single submitter. Criteria: ICSL Variant Classification Criteria 13 December 2019. Collection method: clinical testing. Allele origin: germline.
Comment: This variant was observed in the ICSL laboratory as part of a predisposition screen in an ostensibly healthy population. It had not been previously curated by ICSL or reported in the Human Gene Mutation Database (HGMD: prior to June 1st, 2018), and was therefore a candidate for classification through an automated scoring system. Utilizing variant allele frequency, disease prevalence and penetrance estimates, and inheritance mode, an automated score was calculated to assess if this variant is too frequent to cause the disease. Based on the score and internal cut-off values, a variant classified as benign is not then subjected to further curation. The score for this variant resulted in a classification of benign for this disease.

GeneDx
Classification: Likely benign. Last evaluated: 2016-10-04. Review status: criteria provided, single submitter. Criteria: GeneDx Variant Classification (06012015). Collection method: clinical testing. Allele origin: germline. Affected: yes.
Comment: This variant is considered likely benign or benign based on one or more of the following criteria: it is a conservative change, it occurs at a poorly conserved position in the protein, it is predicted to be benign by multiple in silico algorithms, and/or has population frequency not consistent with disease.

Eurofins Ntd Llc (ga)
Classification: Uncertain significance. Last evaluated: 2016-08-24. Review status: criteria provided, single submitter. Criteria: EGL Classification Definitions 2015. Collection method: clinical testing. Allele origin: germline. Observed: 1 variant allele, 1 heterozygote.

PreventionGenetics, part of Exact Sciences
Classification: Likely benign for COL6A2-related condition. Last evaluated: 2021-07-14. Review status: no assertion criteria provided. Collection method: clinical testing. Allele origin: germline. Not counted in ClinVar's aggregate classification.
Comment: This variant is classified as likely benign based on ACMG/AMP sequence variant interpretation guidelines (Richards et al. 2015 PMID: 25741868, with internal and published modifications).

NM_001849.4(COL6A2):c.1720G>C (p.Val574Leu)

Gene: COL6A2 (collagen type VI alpha 2 chain; plus strand). Cytogenetic location: 21q22.3.
Variant type: single nucleotide variant.
Coding change: c.1720G>C on transcript NM_001849.4 (MANE Select); coding-DNA position 1720, G replaced by C.
Protein change: p.Val574Leu; replaces valine 574 with leucine.
Molecular consequence: missense variant.
Genome position (GRCh38, 1-based): chr21:46,124,699, G>C. VCF-style: chr21-46124699-G-C. GRCh37 (hg19) VCF-style: chr21-47544613-G-C.
Other names: c.1720G>C, p.Val574Leu (NM_058174.3, NM_058175.3); short protein forms V574L.
Identifiers: ClinVar variation 290927 (VCV000290927.31), dbSNP rs142021066, ClinGen allele CA10072126.